The following is an entry in ClinVar:

NC_000013.10:g.(?_49046098)_(49054207_?)del

Gene: RB1 (RB transcriptional corepressor 1; plus strand). Cytogenetic location: 13q14.2.
Variant type: Deletion.
Identifiers: ClinVar variation 2422879 (VCV002422879.4).

ClinVar aggregate classification (germline): Pathogenic (1 of 4 stars; one submission).

Conditions:
Retinoblastoma (RB1). Also called: RETINOBLASTOMA, SOMATIC. Identifiers: Orphanet 790, MedGen C0035335, MeSH D012175, MONDO:0008380, OMIM 180200, HP:0009919. Disease mechanism: loss of function. Inheritance: Both sporadic and heritable forms are tested..

Submission:

Labcorp Genetics (formerly Invitae), Labcorp
Classification: Pathogenic for Retinoblastoma. Last evaluated: 2021-12-22. Review status: criteria provided, single submitter. Criteria: Invitae Variant Classification Sherloc (09022015). Collection method: clinical testing. Allele origin: germline.
Comment: For these reasons, this variant has been classified as Pathogenic. This variant disrupts a region of the RB1 protein in which other variant(s) (Deletion (Exons 25-26)) have been determined to be pathogenic (Invitae). This suggests that this is a clinically significant region of the protein, and that variants that disrupt it are likely to be disease-causing. A similar copy number variant has been observed in individual(s) with bilateral retinoblastoma (PMID: 27582626; Invitae). This variant is a gross deletion of the genomic region encompassing exon(s) 24-27 of the RB1 gene, which includes the termination codon. This deletion extends beyond the assayed region for this gene and therefore may encompass additional genes. While this deletion is not anticipated to lead to nonsense mediated decay, it is expected to alter mRNA translation or result in a truncated protein product.

Literature cited by the submitters: PubMed 27582626.